The following is an entry in ClinVar:

NM_006343.3(MERTK):c.797A>G (p.Asn266Ser)

Gene: MERTK (MER proto-oncogene, tyrosine kinase; plus strand). Cytogenetic location: 2q13.
Variant type: single nucleotide variant.
Coding change: c.797A>G on transcript NM_006343.3 (MANE Select); coding-DNA position 797, A replaced by G.
Protein change: p.Asn266Ser; replaces asparagine 266 with serine.
Molecular consequence: missense variant.
Genome position (GRCh38, 1-based): chr2:111,965,230, A>G. VCF-style: chr2-111965230-A-G. GRCh37 (hg19) VCF-style: chr2-112722807-A-G.
Other names: short protein forms N266S.
Identifiers: ClinVar variation 1036128 (VCV001036128.7), dbSNP rs770088838, ClinGen allele CA1831174.

ClinVar aggregate classification (germline): Uncertain significance. Review status: criteria provided, multiple submitters, no conflicts (2 of 4 stars). 2 submissions from 2 submitters: Uncertain significance (2). Last evaluated 2024-10-11.

Allele frequency attached by ClinVar (database versions not stated): gnomAD 0.00003 and 0.00004; gnomAD exomes 0.00003 and 0.00006; ExAC 0.00006; TOPMed 0.00007.
gnomAD v4.1: 53 of 1,614,228 alleles (0.0033%); highest among the groups gnomAD compares: South Asian, 0.029%; no homozygotes.

Submissions (2):

Blueprint Genetics
Classification: Uncertain significance. Last evaluated: 2024-10-11. Review status: criteria provided, single submitter. Criteria: ACMG Guidelines, 2015. Collection method: clinical testing. Allele origin: germline.

Labcorp Genetics (formerly Invitae), Labcorp
Classification: Uncertain significance. Last evaluated: 2022-08-16. Review status: criteria provided, single submitter. Criteria: Invitae Variant Classification Sherloc (09022015). Collection method: clinical testing. Allele origin: germline.
Comment: In summary, the available evidence is currently insufficient to determine the role of this variant in disease. Therefore, it has been classified as a Variant of Uncertain Significance. Algorithms developed to predict the effect of missense changes on protein structure and function (SIFT, PolyPhen-2, Align-GVGD) all suggest that this variant is likely to be disruptive. ClinVar contains an entry for this variant (Variation ID: 1036128). This variant has not been reported in the literature in individuals affected with MERTK-related conditions. This variant is present in population databases (rs770088838, gnomAD 0.03%). This sequence change replaces asparagine, which is neutral and polar, with serine, which is neutral and polar, at codon 266 of the MERTK protein (p.Asn266Ser).